The following is an entry in ClinVar:

ClinVar aggregate classification (germline): Benign. Review status: criteria provided, multiple submitters, no conflicts (2 of 4 stars). 4 submissions from 4 submitters: Benign (4). Last evaluated 2026-02-02.

Conditions:
Hereditary sensory neuropathy-deafness-dementia syndrome. Also called: HSN IE; Hereditary sensory neuropathy type IE; Hereditary Sensory and Autonomic Neuropathy Type 1E (HSAN1E); NEUROPATHY, HEREDITARY SENSORY, WITH HEARING LOSS AND DEMENTIA. Identifiers: Orphanet 456318, MedGen C3279885, MONDO:0013584, OMIM 614116.

Allele frequency attached by ClinVar (database versions not stated): TOPMed 0.00192; gnomAD 0.00551 and 0.00582; 1000 Genomes Project 30x 0.00765; 1000 Genomes Project 0.00839; gnomAD exomes 0.00855; ExAC 0.00924.
gnomAD v4.1: 6,222 of 1,592,872 alleles (0.39%); highest among the groups gnomAD compares: East Asian, 3.5%; 128 homozygotes.

Submissions (4):

Labcorp Genetics (formerly Invitae), Labcorp
Classification: Benign for Hereditary sensory neuropathy-deafness-dementia syndrome. Last evaluated: 2026-02-02. Review status: criteria provided, single submitter. Criteria: Invitae Variant Classification Sherloc (09022015). Collection method: clinical testing. Allele origin: germline.

ARUP Laboratories, Molecular Genetics and Genomics, ARUP Laboratories
Classification: Benign. Last evaluated: 2025-07-17. Review status: criteria provided, single submitter. Criteria: ARUP Molecular Germline Variant Investigation Process 2024. Collection method: clinical testing. Allele origin: germline.

GeneDx
Classification: Benign. Last evaluated: 2016-03-25. Review status: criteria provided, single submitter. Criteria: GeneDx Variant Classification (06012015). Collection method: clinical testing. Allele origin: germline. Affected: yes.
Comment: This variant is considered likely benign or benign based on one or more of the following criteria: it is a conservative change, it occurs at a poorly conserved position in the protein, it is predicted to be benign by multiple in silico algorithms, and/or has population frequency not consistent with disease.

Breakthrough Genomics
Classification: Benign. Review status: criteria provided, single submitter. Criteria: ACMG Guidelines, 2015. Collection method: not provided. Allele origin: germline. Inheritance: Autosomal dominant inheritance. Affected: yes.

NM_001130823.3(DNMT1):c.4294-17C>A

Gene: DNMT1 (DNA methyltransferase 1; minus strand). Cytogenetic location: 19p13.2.
Variant type: single nucleotide variant.
Coding change: c.4294-17C>A on transcript NM_001130823.3 (MANE Select); 17 bases into the intron before coding-DNA position 4294, C replaced by A.
Molecular consequence: intron variant.
Genome position (GRCh38, 1-based): chr19:10,137,297, G>T on the plus strand (C>A on the coding strand, the complement: DNMT1 is on the minus strand). VCF-style: chr19-10137297-G-T. GRCh37 (hg19) VCF-style: chr19-10247973-G-T.
Other names: c.4294-17C>A (LRG_362t1); c.3931-17C>A (NM_001318731.2); c.4246-17C>A (NM_001379.4, NM_001318730.2).
Identifiers: ClinVar variation 377789 (VCV000377789.20), dbSNP rs79585069, ClinGen allele CA9187536.